The following is an entry in ClinVar:

NM_014314.4(RIGI):c.950A>G (p.His317Arg)

Gene: RIGI (RNA sensor RIG-I; minus strand). Cytogenetic location: 9p21.1.
Variant type: single nucleotide variant.
Coding change: c.950A>G on transcript NM_014314.4 (MANE Select); coding-DNA position 950, A replaced by G.
Protein change: p.His317Arg; replaces histidine 317 with arginine.
Molecular consequence: missense variant.
Genome position (GRCh38, 1-based): chr9:32,488,737, T>C on the plus strand (A>G on the coding strand, the complement: RIGI is on the minus strand). VCF-style: chr9-32488737-T-C. GRCh37 (hg19) VCF-style: chr9-32488735-T-C.
Other names: c.950A>G, p.His317Arg (NM_001385907.1, NM_001385909.1); c.509A>G, p.His170Arg (NM_001385910.1); c.341A>G, p.His114Arg (NM_001385912.1); c.935A>G, p.His312Arg (NM_001385913.1); c.506A>G, p.His169Arg (NM_001385914.1); short protein forms H170R, H114R, H169R, H312R, H317R.
Identifiers: ClinVar variation 1467857 (VCV001467857.8), dbSNP rs2118805928, ClinGen allele CA373158161.

ClinVar aggregate classification (germline): Uncertain significance (1 of 4 stars; one submission).

gnomAD v4.1: 2 of 1,606,586 alleles (0.00012%); highest among the groups gnomAD compares: East Asian, 0.0022%; no homozygotes.

Submission:

Labcorp Genetics (formerly Invitae), Labcorp
Classification: Uncertain significance. Last evaluated: 2022-12-31. Review status: criteria provided, single submitter. Criteria: Invitae Variant Classification Sherloc (09022015). Collection method: clinical testing. Allele origin: germline.
Comment: In summary, the available evidence is currently insufficient to determine the role of this variant in disease. Therefore, it has been classified as a Variant of Uncertain Significance. Advanced modeling of protein sequence and biophysical properties (such as structural, functional, and spatial information, amino acid conservation, physicochemical variation, residue mobility, and thermodynamic stability) performed at Invitae indicates that this missense variant is not expected to disrupt DDX58 protein function. ClinVar contains an entry for this variant (Variation ID: 1467857). This sequence change replaces histidine, which is basic and polar, with arginine, which is basic and polar, at codon 317 of the DDX58 protein (p.His317Arg). This variant has not been reported in the literature in individuals affected with DDX58-related conditions. This variant is not present in population databases (gnomAD no frequency).